The following is an entry in ClinVar:

ClinVar aggregate classification (germline): Uncertain significance (1 of 4 stars; one submission).

Conditions:
Kabuki syndrome. Also called: NIIKAWA-KUROKI SYNDROME; Kabuki make-up syndrome. Identifiers: Orphanet 2322, MedGen C0796004, MONDO:0016512.

Submission:

Labcorp Genetics (formerly Invitae), Labcorp
Classification: Uncertain significance for Kabuki syndrome. Last evaluated: 2024-06-30. Review status: criteria provided, single submitter. Criteria: Invitae Variant Classification Sherloc (09022015). Collection method: clinical testing. Allele origin: germline.
Comment: This sequence change replaces glutamine, which is neutral and polar, with histidine, which is basic and polar, at codon 4329 of the KMT2D protein (p.Gln4329His). This variant is not present in population databases (gnomAD no frequency). This variant has not been reported in the literature in individuals affected with KMT2D-related conditions. Advanced modeling of protein sequence and biophysical properties (such as structural, functional, and spatial information, amino acid conservation, physicochemical variation, residue mobility, and thermodynamic stability) performed at Invitae indicates that this missense variant is not expected to disrupt KMT2D protein function with a negative predictive value of 95%. In summary, the available evidence is currently insufficient to determine the role of this variant in disease. Therefore, it has been classified as a Variant of Uncertain Significance.

NM_003482.4(KMT2D):c.12987G>C (p.Gln4329His)

Gene: KMT2D (lysine methyltransferase 2D; minus strand). Cytogenetic location: 12q13.12.
Variant type: single nucleotide variant.
Coding change: c.12987G>C on transcript NM_003482.4 (MANE Select); coding-DNA position 12987, G replaced by C.
Protein change: p.Gln4329His; replaces glutamine 4329 with histidine.
Molecular consequence: missense variant.
Genome position (GRCh38, 1-based): chr12:49,031,718, C>G on the plus strand (G>C on the coding strand, the complement: KMT2D is on the minus strand). VCF-style: chr12-49031718-C-G. GRCh37 (hg19) VCF-style: chr12-49425501-C-G.
Other names: short protein forms Q4329H.
Identifiers: ClinVar variation 3616124 (VCV003616124.2).